The following is an entry in ClinVar:

NM_004364.5(CEBPA):c.538C>A (p.Pro180Thr)

Gene: CEBPA (CCAAT enhancer binding protein alpha; minus strand). Cytogenetic location: 19q13.11.
Variant type: single nucleotide variant.
Coding change: c.538C>A on transcript NM_004364.5 (MANE Select); coding-DNA position 538, C replaced by A.
Protein change: p.Pro180Thr; replaces proline 180 with threonine.
Molecular consequence: missense variant.
Genome position (GRCh38, 1-based): chr19:33,301,877, G>T on the plus strand (C>A on the coding strand, the complement: CEBPA is on the minus strand). VCF-style: chr19-33301877-G-T. GRCh37 (hg19) VCF-style: chr19-33792783-G-T.
Other names: c.496C>A, p.Pro166Thr (NM_001287435.2); c.181C>A, p.Pro61Thr (NM_001285829.2); c.643C>A, p.Pro215Thr (NM_001287424.2); short protein forms P166T, P180T, P61T, P215T.
Identifiers: ClinVar variation 5034293 (VCV005034293.1).

ClinVar aggregate classification (germline): Uncertain significance (1 of 4 stars; one submission).

Conditions:
Inborn genetic diseases. Identifiers: MedGen C0950123, MeSH D030342.

Submission:

Ambry Genetics
Classification: Uncertain significance for Inborn genetic diseases. Last evaluated: 2026-07-07. Review status: criteria provided, single submitter. Criteria: Ambry Variant Classification Scheme 2023. Collection method: clinical testing. Allele origin: germline.
Comment: The p.P180T variant (also known as c.538C>A), located in coding exon 1 of the CEBPA gene, results from a C to A substitution at nucleotide position 538. The proline at codon 180 is replaced by threonine, an amino acid with highly similar properties. This amino acid position is conserved. In addition, this alteration is predicted to be tolerated by in silico analysis. Based on the available evidence, the clinical significance of this variant remains unclear.